The following is an entry in ClinVar:

NM_001270.4(CHD1):c.5126A>C (p.Lys1709Thr)

Gene: CHD1 (chromodomain helicase DNA binding protein 1; minus strand). Cytogenetic location: 5q15.
Variant type: single nucleotide variant.
Coding change: c.5126A>C on transcript NM_001270.4 (MANE Select); coding-DNA position 5126, A replaced by C.
Protein change: p.Lys1709Thr; replaces lysine 1709 with threonine.
Molecular consequence: missense variant. On other transcripts: non-coding transcript variant (2).
Genome position (GRCh38, 1-based): chr5:98,856,387, T>G on the plus strand (A>C on the coding strand, the complement: CHD1 is on the minus strand). VCF-style: chr5-98856387-T-G. GRCh37 (hg19) VCF-style: chr5-98192091-T-G.
Other names: c.5390A>C, p.Lys1797Thr (NM_001364113.3); c.5126A>C, p.Lys1709Thr (NM_001376194.2); short protein forms K1709T, K1797T.
Identifiers: ClinVar variation 3893608 (VCV003893608.1).
Genomic context (GRCh38, chr5:98,856,387, plus strand): 5'-TTTATGATATATGGCTAAAAGAAAAGTCCAGAAAGACGAAGTATCAGTTTTTGTTATGTT[T>G]TCCGACTACTCCAGGTATGCTCCGGTGTACTTTTGTGTTCAACTGAATGTTCAAATGGAG-3'
Protein context (NP_001261.2, residues 1699-1710): STPEHTWSSR[Lys1709Thr]T

ClinVar aggregate classification (germline): Uncertain significance (1 of 4 stars; one submission).

Submission:

GeneDx
Classification: Uncertain significance. Last evaluated: 2024-10-28. Review status: criteria provided, single submitter. Criteria: GeneDx Variant Classification Process June 2021. Collection method: clinical testing. Allele origin: germline. Affected: yes.
Comment: Not observed at significant frequency in large population cohorts (gnomAD); In silico analysis indicates that this missense variant does not alter protein structure/function; Has not been previously published as pathogenic or benign to our knowledge